The following is an entry in ClinVar:

ClinVar aggregate classification (germline): Uncertain significance (1 of 4 stars; one submission).

Conditions:
Baller-Gerold syndrome (BGS). Also called: CRANIOSYNOSTOSIS WITH RADIAL DEFECTS. Identifiers: Orphanet 1225, MedGen C0265308, MONDO:0009039, OMIM 218600.

Allele frequency attached by ClinVar (database versions not stated): TOPMed below 0.00001.

Submission:

Labcorp Genetics (formerly Invitae), Labcorp
Classification: Uncertain significance for Baller-Gerold syndrome. Last evaluated: 2024-12-02. Review status: criteria provided, single submitter. Criteria: Invitae Variant Classification Sherloc (09022015). Collection method: clinical testing. Allele origin: germline.
Comment: This sequence change replaces phenylalanine, which is neutral and non-polar, with leucine, which is neutral and non-polar, at codon 839 of the RECQL4 protein (p.Phe839Leu). This variant is not present in population databases (gnomAD no frequency). This variant has not been reported in the literature in individuals affected with RECQL4-related conditions. ClinVar contains an entry for this variant (Variation ID: 1051759). Invitae Evidence Modeling of protein sequence and biophysical properties (such as structural, functional, and spatial information, amino acid conservation, physicochemical variation, residue mobility, and thermodynamic stability) indicates that this missense variant is expected to disrupt RECQL4 protein function with a positive predictive value of 80%. In summary, the available evidence is currently insufficient to determine the role of this variant in disease. Therefore, it has been classified as a Variant of Uncertain Significance.

NM_004260.4(RECQL4):c.2515T>C (p.Phe839Leu)

Gene: RECQL4 (RecQ like helicase 4; minus strand). Cytogenetic location: 8q24.3.
Variant type: single nucleotide variant.
Coding change: c.2515T>C on transcript NM_004260.4 (MANE Select); coding-DNA position 2515, T replaced by C.
Protein change: p.Phe839Leu; replaces phenylalanine 839 with leucine.
Molecular consequence: missense variant.
Genome position (GRCh38, 1-based): chr8:144,513,087, A>G on the plus strand (T>C on the coding strand, the complement: RECQL4 is on the minus strand). VCF-style: chr8-144513087-A-G. GRCh37 (hg19) VCF-style: chr8-145738470-A-G.
Other names: short protein forms F839L.
Identifiers: ClinVar variation 1051759 (VCV001051759.3), dbSNP rs1827560416, ClinGen allele CA372677253.